The following is an entry in ClinVar:

NM_000138.5(FBN1):c.5957C>T (p.Pro1986Leu)

Gene: FBN1 (fibrillin 1; minus strand). Cytogenetic location: 15q21.1.
Variant type: single nucleotide variant.
Coding change: c.5957C>T on transcript NM_000138.5 (MANE Select); coding-DNA position 5957, C replaced by T.
Protein change: p.Pro1986Leu; replaces proline 1986 with leucine.
Molecular consequence: missense variant.
Genome position (GRCh38, 1-based): chr15:48,444,621, G>A on the plus strand (C>T on the coding strand, the complement: FBN1 is on the minus strand). VCF-style: chr15-48444621-G-A. GRCh37 (hg19) VCF-style: chr15-48736818-G-A.
Other names: c.5957C>T, p.Pro1986Leu (NM_001406716.1); short protein forms P1986L.
Identifiers: ClinVar variation 3849165 (VCV003849165.2).

ClinVar aggregate classification (germline): Uncertain significance. Review status: criteria provided, multiple submitters, no conflicts (2 of 4 stars). 2 submissions from 2 submitters: Uncertain significance (2). Last evaluated 2025-03-30.

Conditions:
Familial thoracic aortic aneurysm and aortic dissection (TAAD). Also called: Thoracic aortic aneurysms and dissections. Identifiers: Orphanet 91387, MedGen C4707243, MONDO:0019625.
Marfan syndrome (MFS). Also called: MARFAN SYNDROME, TYPE I; Marfan syndrome type 1; Marfan's syndrome; Marfan syndrome, classic; FBN1-Related Marfan Syndrome. Identifiers: Orphanet 284963, Orphanet 558, MedGen C0024796, MONDO:0007947, OMIM 154700.

Submissions (2):

Labcorp Genetics (formerly Invitae), Labcorp
Classification: Uncertain significance for Marfan syndrome; Familial thoracic aortic aneurysm and aortic dissection. Last evaluated: 2025-03-30. Review status: criteria provided, single submitter. Criteria: Invitae Variant Classification Sherloc (09022015). Collection method: clinical testing. Allele origin: germline.
Comment: This sequence change replaces proline, which is neutral and non-polar, with leucine, which is neutral and non-polar, at codon 1986 of the FBN1 protein (p.Pro1986Leu). This variant is not present in population databases (gnomAD no frequency). This variant has not been reported in the literature in individuals affected with FBN1-related conditions. Invitae Evidence Modeling of protein sequence and biophysical properties (such as structural, functional, and spatial information, amino acid conservation, physicochemical variation, residue mobility, and thermodynamic stability) has been performed for this missense variant. However, the output from this modeling did not meet the statistical confidence thresholds required to predict the impact of this variant on FBN1 protein function. In summary, the available evidence is currently insufficient to determine the role of this variant in disease. Therefore, it has been classified as a Variant of Uncertain Significance.

Ambry Genetics
Classification: Uncertain significance for Familial thoracic aortic aneurysm and aortic dissection. Last evaluated: 2024-12-19. Review status: criteria provided, single submitter. Criteria: Ambry Variant Classification Scheme 2023. Collection method: clinical testing. Allele origin: germline.
Comment: The p.P1986L variant (also known as c.5957C>T), located in coding exon 48 of the FBN1 gene, results from a C to T substitution at nucleotide position 5957. The proline at codon 1986 is replaced by leucine, an amino acid with similar properties. This amino acid position is well conserved in available vertebrate species. In addition, the in silico prediction for this alteration is inconclusive. Based on the available evidence, the clinical significance of this variant remains unclear.